The following is an entry in ClinVar:

ClinVar aggregate classification (germline): Conflicting classifications of pathogenicity. Review status: criteria provided, conflicting classifications (1 of 4 stars). 2 submissions from 2 submitters: Uncertain significance (1); Likely benign (1). Last evaluated 2026-06-03.

Conditions:
Acute myeloid leukemia (AML). Also called: Leukemia, acute myeloid, somatic; Leukemia, acute myelogenous, somatic; Acute myeloid leukemia, adult; AML adult; Acute non-lymphocytic leukemia; Acute granulocytic leukemia. Identifiers: Orphanet 519, MedGen C0023467, MeSH D015470, MONDO:0018874, OMIM 601626, HP:0004808. Disease mechanism: Constitutively activated FLT3.
Inborn genetic diseases. Identifiers: MedGen C0950123, MeSH D030342.

Submissions (2):

Ambry Genetics
Classification: Likely benign for Inborn genetic diseases. Last evaluated: 2026-06-03. Review status: criteria provided, single submitter. Criteria: Ambry Variant Classification Scheme 2023. Collection method: clinical testing. Allele origin: germline.

Labcorp Genetics (formerly Invitae), Labcorp
Classification: Uncertain significance for Acute myeloid leukemia. Last evaluated: 2021-01-01. Review status: criteria provided, single submitter. Criteria: Invitae Variant Classification Sherloc (09022015). Collection method: clinical testing. Allele origin: germline.
Comment: In summary, the available evidence is currently insufficient to determine the role of this variant in disease. Therefore, it has been classified as a Variant of Uncertain Significance. Experimental studies and prediction algorithms are not available or were not evaluated, and the functional significance of this variant is currently unknown. This variant has not been reported in the literature in individuals with CEBPA-related conditions. The frequency data for this variant in the population databases is considered unreliable, as metrics indicate insufficient coverage at this position in the ExAC database. This sequence change replaces leucine with phenylalanine at codon 253 of the CEBPA protein (p.Leu253Phe). The leucine residue is moderately conserved and there is a small physicochemical difference between leucine and phenylalanine.

NM_004364.5(CEBPA):c.756_757delinsCT (p.Leu253Phe)

Gene: CEBPA (CCAAT enhancer binding protein alpha; minus strand). Cytogenetic location: 19q13.11.
Variant type: Indel.
Coding change: c.756_757delinsCT on transcript NM_004364.5 (MANE Select); coding-DNA positions 756 to 757, GC replaced by CT.
Protein change: p.Leu253Phe; replaces leucine 253 with phenylalanine.
Molecular consequence: missense variant.
Genome position (GRCh38, 1-based): chr19:33,301,658-33,301,659, GC replaced by AG on the plus strand (GC replaced by CT on the coding strand, the reverse complement: CEBPA is on the minus strand). VCF-style: chr19-33301658-GC-AG. GRCh37 (hg19) VCF-style: chr19-33792564-GC-AG.
Other names: c.399_400delinsCT, p.Leu134Phe (NM_001285829.2); c.861_862delinsCT, p.Leu288Phe (NM_001287424.2); c.714_715delinsCT, p.Leu239Phe (NM_001287435.2); c.756_757delGCinsCT (NM_004364.3); short protein forms L134F, L239F, L253F, L288F.
Identifiers: ClinVar variation 1426628 (VCV001426628.7), dbSNP rs2145260308, ClinGen allele CA2573156213.
Genomic context (GRCh38, chr19:33,301,658, plus strand): 5'-TGCCCGCGCCGCTGCCGCCACTCGCGCGGAGGTCGGGGTGCGCGGCGCCCAGCCCCTTGA[GC>AG]GCGCTGCCAGGGCCCGGCAGGCCGGCGGCACCGAGCGCGGGCGCGGGGTGCGGGCTGGGC-3'
Protein context (NP_004355.2, residues 243-263): AAGLPGPGSA[Leu253Phe]KGLGAAHPDL